The following is an entry in ClinVar:

ClinVar aggregate classification (germline): Uncertain significance. Review status: criteria provided, multiple submitters, no conflicts (2 of 4 stars). 2 submissions from 2 submitters: Uncertain significance (2). Last evaluated 2024-10-10.

Conditions:
Epileptic encephalopathy. Identifiers: MedGen C0543888, HP:0200134.

Allele frequency attached by ClinVar (database versions not stated): gnomAD exomes 0.00011; gnomAD 0.00016; TOPMed 0.00007; ExAC 0.00017.
gnomAD v4.1: 188 of 1,591,822 alleles (0.012%); highest among the groups gnomAD compares: Middle Eastern, 0.049%; no homozygotes.

Submissions (2):

Women's Health and Genetics/Laboratory Corporation of America, LabCorp
Classification: Uncertain significance. Last evaluated: 2024-10-10. Review status: criteria provided, single submitter. Criteria: LabCorp Variant Classification Summary - May 2015. Collection method: clinical testing. Allele origin: germline.
Comment: Variant summary: RYR3 c.4548C>G (p.Ser1516Arg) results in a non-conservative amino acid change in the encoded protein sequence. Five of five in-silico tools predict a damaging effect of the variant on protein function. The variant allele was found at a frequency of 0.00011 in 211240 control chromosomes. This frequency is not significantly higher than estimated for a pathogenic variant in RYR3 causing Congenital Myopathy 20, allowing no conclusion about variant significance. To our knowledge, no occurrence of c.4548C>G in individuals affected with Congenital Myopathy 20 and no experimental evidence demonstrating its impact on protein function have been reported. ClinVar contains an entry for this variant (Variation ID: 530987). Based on the evidence outlined above, the variant was classified as uncertain significance.

Labcorp Genetics (formerly Invitae), Labcorp
Classification: Uncertain significance for Epileptic encephalopathy. Last evaluated: 2022-09-07. Review status: criteria provided, single submitter. Criteria: Invitae Variant Classification Sherloc (09022015). Collection method: clinical testing. Allele origin: germline.
Comment: This sequence change replaces serine, which is neutral and polar, with arginine, which is basic and polar, at codon 1516 of the RYR3 protein (p.Ser1516Arg). This variant is present in population databases (rs200944014, gnomAD 0.02%). This variant has not been reported in the literature in individuals affected with RYR3-related conditions. ClinVar contains an entry for this variant (Variation ID: 530987). Algorithms developed to predict the effect of missense changes on protein structure and function (SIFT, PolyPhen-2, Align-GVGD) all suggest that this variant is likely to be disruptive. In summary, the available evidence is currently insufficient to determine the role of this variant in disease. Therefore, it has been classified as a Variant of Uncertain Significance.

NM_001036.6(RYR3):c.4548C>G (p.Ser1516Arg)

Gene: RYR3 (ryanodine receptor 3; plus strand). Cytogenetic location: 15q14.
Variant type: single nucleotide variant.
Coding change: c.4548C>G on transcript NM_001036.6 (MANE Select); coding-DNA position 4548, C replaced by G.
Protein change: p.Ser1516Arg; replaces serine 1516 with arginine.
Molecular consequence: missense variant.
Genome position (GRCh38, 1-based): chr15:33,660,349, C>G. VCF-style: chr15-33660349-C-G. GRCh37 (hg19) VCF-style: chr15-33952550-C-G.
Other names: c.4548C>G, p.Ser1516Arg (NM_001243996.4); short protein forms S1516R.
Identifiers: ClinVar variation 530987 (VCV000530987.12), dbSNP rs200944014, ClinGen allele CA7459036.